The following is an entry in ClinVar:

NM_033305.3(VPS13A):c.4971dup (p.Ile1658fs)

Gene: VPS13A (vacuolar protein sorting 13 homolog A; plus strand). Cytogenetic location: 9q21.2.
Variant type: Duplication.
Coding change: c.4971dup on transcript NM_033305.3 (MANE Select); coding-DNA position 4971, one base duplicated (T; older notation c.4971dupT).
Protein change: p.Ile1658fs; shifts the reading frame from isoleucine 1658.
Molecular consequence: frameshift variant.
Genome position (GRCh38, 1-based): chr9:77,318,249, T duplicated; the last of 2 consecutive T bases (chr9:77,318,248-77,318,249); duplicating either gives the same sequence. VCF-style (leftmost placement, unchanged base first): chr9-77318247-A-AT. GRCh37 (hg19) VCF-style: chr9-79933163-A-AT.
Other names: c.4854dup, p.Ile1619fs (NM_001018037.2); c.4971dup, p.Ile1658fs (NM_001018038.3, NM_015186.4); short protein forms I1619fs, I1658fs.
Identifiers: ClinVar variation 4816404 (VCV004816404.1).

ClinVar aggregate classification (germline): Likely pathogenic (1 of 4 stars; one submission).

Conditions:
VPS13A-related neurodegenerative disease. Also called: LEVINE-CRITCHLEY SYNDROME; Choreoacanthocytosis; Chorea-acanthocytosis; ACANTHOCYTOSIS WITH NEUROLOGIC DISORDER; VPS13A Disease; Choreaacanthocytosis. Identifiers: Orphanet 2388, MedGen C0393576, MONDO:0008695, OMIM 200150.

Submission:

Natera, Inc.
Classification: Likely pathogenic for Choreaacanthocytosis. Last evaluated: 2024-07-15. Review status: criteria provided, single submitter. Criteria: Natera Variant Classification Schema (03/2026). Collection method: clinical testing. Allele origin: germline.
Comment: The c.4971dup variant in VPS13A is a frameshift variant predicted to shift the reading frame beginning at codon 1658 and leads to a stop codon 15 codons downstream. This variant is expected to result in nonsense mediated decay, truncation, or a dysfunctional protein product. This variant is rare in the general population with a frequency below the threshold expected for the associated phenotype(s). Given the available evidence, this variant is classified as Likely Pathogenic.